The following is an entry in ClinVar:

ClinVar aggregate classification (germline): Uncertain significance. Review status: criteria provided, multiple submitters, no conflicts (2 of 4 stars). 4 submissions from 4 submitters: Uncertain significance (4). Last evaluated 2025-04-10.

Conditions:
Hereditary cancer-predisposing syndrome. Also called: Hereditary Cancer Syndrome; Neoplastic Syndromes, Hereditary; Tumor predisposition; Hereditary neoplastic syndrome. Identifiers: Orphanet 140162, MedGen C0027672, MeSH D009386, MONDO:0015356.
Hereditary diffuse gastric adenocarcinoma (HDGC). Also called: DIFFUSE GASTRIC AND LOBULAR BREAST CANCER SYNDROME. Identifiers: Orphanet 26106, MedGen C1708349, MONDO:0007648, OMIM 137215.

Allele frequency attached by ClinVar (database versions not stated): gnomAD exomes 0.00001; TOPMed 0.00002.
gnomAD v4.1: 8 of 1,614,128 alleles (0.0005%); highest among the groups gnomAD compares: East Asian, 0.0067%; no homozygotes.

Submissions (4):

Ambry Genetics
Classification: Uncertain significance for Hereditary cancer-predisposing syndrome. Last evaluated: 2025-04-10. Review status: criteria provided, single submitter. Criteria: Ambry Variant Classification Scheme 2023. Collection method: clinical testing. Allele origin: germline.
Comment: The p.V493A variant (also known as c.1478T>C), located in coding exon 10 of the CDH1 gene, results from a T to C substitution at nucleotide position 1478. The valine at codon 493 is replaced by alanine, an amino acid with similar properties. This alteration was observed in 2/7051 unselected female breast cancer patients and was not observed in 11241 female controls of Japanese ancestry (Momozawa Y et al. Nat Commun, 2018 10;9:4083). This amino acid position is well conserved in available vertebrate species. In addition, this alteration is predicted to be tolerated by in silico analysis. Based on the available evidence, the clinical significance of this variant remains unclear.

Labcorp Genetics (formerly Invitae), Labcorp
Classification: Uncertain significance for Hereditary diffuse gastric adenocarcinoma. Last evaluated: 2024-05-21. Review status: criteria provided, single submitter. Criteria: Invitae Variant Classification Sherloc (09022015). Collection method: clinical testing. Allele origin: germline.
Comment: This sequence change replaces valine, which is neutral and non-polar, with alanine, which is neutral and non-polar, at codon 493 of the CDH1 protein (p.Val493Ala). This variant is present in population databases (rs786202407, gnomAD 0.01%). This missense change has been observed in individual(s) with breast cancer and/or gastric cancer (PMID: 30287823, 32241597). ClinVar contains an entry for this variant (Variation ID: 185725). An algorithm developed to predict the effect of missense changes on protein structure and function (PolyPhen-2) suggests that this variant¬†is likely to be tolerated. In summary, the available evidence is currently insufficient to determine the role of this variant in disease. Therefore, it has been classified as a Variant of Uncertain Significance.

Women's Health and Genetics/Laboratory Corporation of America, LabCorp
Classification: Uncertain significance. Last evaluated: 2022-01-31. Review status: criteria provided, single submitter. Criteria: LabCorp Variant Classification Summary - May 2015. Collection method: clinical testing. Allele origin: germline.
Comment: Variant summary: CDH1 c.1478T>C (p.Val493Ala) results in a non-conservative amino acid change located in the Cadherin-like domain (IPR002126) of the encoded protein sequence. Four of five in-silico tools predict a benign effect of the variant on protein function. The variant allele was found at a frequency of 7.3e-06 in 274008 control chromosomes (gnomAD, Momozawa_2018). The available data on variant occurrences in the general population are insufficient to allow any conclusion about variant significance. c.1478T>C has been reported in the literature in individuals affected with breast cancer and diffuse gastric cancer (Momozawa_2018, Dorling_2021, Choi_2020). These data do not allow any conclusion about variant significance. To our knowledge, no experimental evidence demonstrating an impact on protein function has been reported. Three ClinVar submitters have assessed the variant since 2014: all three submitters classified the variant as of uncertain significance. Based on the evidence outlined above, the variant was classified as uncertain significance.

Color Diagnostics, LLC DBA Color Health
Classification: Uncertain significance for Hereditary cancer-predisposing syndrome. Last evaluated: 2021-03-01. Review status: criteria provided, single submitter. Criteria: ACMG Guidelines, 2015. Collection method: clinical testing. Allele origin: germline.
Comment: This missense variant replaces valine with alanine at codon 493 of the CDH1 protein. To our knowledge, functional studies have not been reported for this variant. This variant has been reported in individuals affected with gastric cancer and breast cancer in the literature (PMID: 30287823, 32241597). This variant has been identified in 2/251488 chromosomes in the general population by the Genome Aggregation Database (gnomAD). The available evidence is insufficient to determine the role of this variant in disease conclusively. Therefore, this variant is classified as a Variant of Uncertain Significance.

Literature cited by the submitters: PubMed 30287823 (cited by 3 submitters); PubMed 32241597 (cited by 3 submitters); PubMed 33471991 (cited by Women's Health and Genetics/Laboratory Corporation of America, LabCorp).

NM_004360.5(CDH1):c.1478T>C (p.Val493Ala)

Gene: CDH1 (cadherin 1; plus strand). Cytogenetic location: 16q22.1.
Variant type: single nucleotide variant.
Coding change: c.1478T>C on transcript NM_004360.5 (MANE Select); coding-DNA position 1478, T replaced by C.
Protein change: p.Val493Ala; replaces valine 493 with alanine.
Molecular consequence: missense variant. On other transcripts: 5 prime UTR variant (2).
Genome position (GRCh38, 1-based): chr16:68,815,672, T>C. VCF-style: chr16-68815672-T-C. GRCh37 (hg19) VCF-style: chr16-68849575-T-C.
Other names: c.1478T>C (LRG_301t1); c.1295T>C, p.Val432Ala (NM_001317184.2); c.-71T>C (NM_001317185.2); c.-342T>C (NM_001317186.2); short protein forms V493A, V432A.
Identifiers: ClinVar variation 185725 (VCV000185725.20), dbSNP rs786202407, ClinGen allele CA192748.